The following is an entry in ClinVar:

NM_001170629.2(CHD8):c.6649C>T (p.Arg2217Ter)

Gene: CHD8 (chromodomain helicase DNA binding protein 8; minus strand). Cytogenetic location: 14q11.2.
Variant type: single nucleotide variant.
Coding change: c.6649C>T on transcript NM_001170629.2 (MANE Select); coding-DNA position 6649, C replaced by T.
Protein change: p.Arg2217Ter; replaces arginine 2217 with a stop codon.
Molecular consequence: nonsense.
Genome position (GRCh38, 1-based): chr14:21,392,629, G>A on the plus strand (C>T on the coding strand, the complement: CHD8 is on the minus strand). VCF-style: chr14-21392629-G-A. GRCh37 (hg19) VCF-style: chr14-21860788-G-A.
Other names: c.5812C>T, p.Arg1938Ter (NM_020920.4); short protein forms R1938*, R2217*.
Identifiers: ClinVar variation 588945 (VCV000588945.54), dbSNP rs1555313048, ClinGen allele CA388878448.

ClinVar aggregate classification (germline): Pathogenic. Review status: criteria provided, multiple submitters, no conflicts (2 of 4 stars). 5 submissions from 5 submitters: Pathogenic (3). 2 of the submissions do not count toward it. Last evaluated 2025-09-22.

Conditions:
Inborn genetic diseases. Identifiers: MedGen C0950123, MeSH D030342.
Intellectual developmental disorder with autism and macrocephaly. Also called: Autism, susceptibility to, 18; CHD8-Related Neurodevelopmental Disorder with Overgrowth. Identifiers: Orphanet 642675, MedGen C3554373, MONDO:0014017, OMIM 615032.

Submissions (5):

Victorian Clinical Genetics Services, Murdoch Childrens Research Institute
Classification: Pathogenic for Intellectual developmental disorder with autism and macrocephaly. Last evaluated: 2025-09-22. Review status: criteria provided, single submitter. Criteria: ACMG Guidelines, 2015. Collection method: clinical testing. Allele origin: germline. Affected: yes.
Comment: This variant is classified as Pathogenic. Evidence in support of pathogenic classification: Variant is predicted to cause nonsense-mediated decay (NMD) and loss of protein (premature termination codon is located at least 54 nucleotides upstream of the final exon-exon junction); Variant is absent from gnomAD (v2, v3 and v4); This variant has moderate previous evidence of pathogenicity in unrelated individuals. It has been classified as pathogenic by clinical laboratories (ClinVar); Other NMD-predicted variant(s) comparable to the one identified in this case have very strong previous evidence for pathogenicity (DECIPHER); Additional information: This variant is heterozygous; This gene is associated with autosomal dominant disease; Loss of function is a known mechanism of disease in this gene and is associated with intellectual developmental disorder with autism and macrocephaly (MIM#615032).

Labcorp Genetics (formerly Invitae), Labcorp
Classification: Pathogenic. Last evaluated: 2022-06-16. Review status: criteria provided, single submitter. Criteria: Invitae Variant Classification Sherloc (09022015). Collection method: clinical testing. Allele origin: germline.
Comment: This sequence change creates a premature translational stop signal (p.Arg2217*) in the CHD8 gene. It is expected to result in an absent or disrupted protein product. Loss-of-function variants in CHD8 are known to be pathogenic (PMID: 24998929, 26789910). For these reasons, this variant has been classified as Pathogenic. ClinVar contains an entry for this variant (Variation ID: 588945). This premature translational stop signal has been observed in individual(s) with autism spectrum disorder and/or intellectual disability (PMID: 31311581, 32801363). This variant is not present in population databases (gnomAD no frequency).

Ambry Genetics
Classification: Pathogenic for Inborn genetic diseases. Last evaluated: 2017-04-06. Review status: criteria provided, single submitter. Criteria: Ambry Variant Classification Scheme 2023. Collection method: clinical testing. Allele origin: germline.
Comment: The p.R2217* pathogenic mutation (also known as c.6649C>T), located in coding exon 33 of the CHD8 gene, results from a C to T substitution at nucleotide position 6649. This changes the amino acid from an arginine to a stop codon within coding exon 33. This alteration is expected to result in loss of function by premature protein truncation or nonsense-mediated mRNA decay. As such, this alteration is interpreted as a disease-causing mutation.

Clinical Genetics DNA and cytogenetics Diagnostics Lab, Erasmus MC, Erasmus Medical Center
Classification: Pathogenic. Review status: no assertion criteria provided. Collection method: clinical testing. Allele origin: germline. Affected: yes. Study: VKGL Data-share Consensus. Not counted in ClinVar's aggregate classification.

Diagnostic Laboratory, Department of Genetics, University Medical Center Groningen
Classification: Pathogenic. Review status: no assertion criteria provided. Collection method: clinical testing. Allele origin: germline. Affected: yes. Study: VKGL Data-share Consensus. Not counted in ClinVar's aggregate classification.

Literature cited by the submitters: PubMed 24998929 (cited by Labcorp Genetics (formerly Invitae), Labcorp); PubMed 26789910 (cited by Labcorp Genetics (formerly Invitae), Labcorp); PubMed 31311581 (cited by Labcorp Genetics (formerly Invitae), Labcorp); PubMed 32801363 (cited by Labcorp Genetics (formerly Invitae), Labcorp).